The following is an entry in ClinVar:

ClinVar aggregate classification (germline): Uncertain significance (1 of 4 stars; one submission).

Conditions:
BAP1-related tumor predisposition syndrome (TPDS1). Also called: COMMON Syndrome; TUMOR PREDISPOSITION SYNDROME 1; Tumor susceptibility linked to germline BAP1 mutations; BAP1 tumor predisposition syndrome. Identifiers: Orphanet 289539, MedGen C3280492, MONDO:0013692, OMIM 614327.

Submission:

Labcorp Genetics (formerly Invitae), Labcorp
Classification: Uncertain significance for BAP1-related tumor predisposition syndrome. Last evaluated: 2025-10-29. Review status: criteria provided, single submitter. Criteria: Invitae Variant Classification Sherloc (09022015). Collection method: clinical testing. Allele origin: germline.
Comment: This sequence change replaces glycine, which is neutral and non-polar, with glutamic acid, which is acidic and polar, at codon 594 of the BAP1 protein (p.Gly594Glu). This variant is not present in population databases (gnomAD no frequency). This variant has not been reported in the literature in individuals affected with BAP1-related conditions. Invitae Evidence Modeling of protein sequence and biophysical properties (such as structural, functional, and spatial information, amino acid conservation, physicochemical variation, residue mobility, and thermodynamic stability) indicates that this missense variant is not expected to disrupt BAP1 protein function with a negative predictive value of 80%. In summary, the available evidence is currently insufficient to determine the role of this variant in disease. Therefore, it has been classified as a Variant of Uncertain Significance.

NM_004656.4(BAP1):c.1781G>A (p.Gly594Glu)

Gene: BAP1 (BRCA1 associated deubiquitinase 1; minus strand). Cytogenetic location: 3p21.1.
Variant type: single nucleotide variant.
Coding change: c.1781G>A on transcript NM_004656.4 (MANE Select); coding-DNA position 1781, G replaced by A.
Protein change: p.Gly594Glu; replaces glycine 594 with glutamic acid.
Molecular consequence: missense variant.
Genome position (GRCh38, 1-based): chr3:52,403,247, C>T on the plus strand (G>A on the coding strand, the complement: BAP1 is on the minus strand). VCF-style: chr3-52403247-C-T. GRCh37 (hg19) VCF-style: chr3-52437263-C-T.
Other names: c.1727G>A, p.Gly576Glu (NM_001410772.1); short protein forms G576E, G594E.
Identifiers: ClinVar variation 4772785 (VCV004772785.1).
Genomic context (GRCh38, chr3:52,403,247, plus strand): 5'-CCCGTCTTCTCTCTGCTGTCCGTGGCTTCCACGACCTCCTTCTCCACTGGGCTGCTGGAC[C>T]CCTGGCTGCCTTGGATTGGTCTGATGGAGGGCGAGGAACCCTTCCCACCCTCTGGGAAGA-3'
Protein context (NP_004647.1, residues 584-604): PSIRPIQGSQ[Gly594Glu]SSSPVEKEVV